The following is an entry in ClinVar:

NM_006245.4(PPP2R5D):c.1026+19_1026+20delinsGG

Gene: PPP2R5D (protein phosphatase 2 regulatory subunit B'delta; plus strand). Cytogenetic location: 6p21.1.
Variant type: Indel.
Coding change: c.1026+19_1026+20delinsGG on transcript NM_006245.4 (MANE Select); bases 19 to 20 of the intron after coding-DNA position 1026, TA replaced by GG.
Molecular consequence: intron variant.
Genome position (GRCh38, 1-based): chr6:43,008,494-43,008,495, TA replaced by GG. VCF-style: chr6-43008494-TA-GG. GRCh37 (hg19) VCF-style: chr6-42976232-TA-GG.
Other names: c.573+19_573+20delinsGG (NM_001270476.2); c.930+19_930+20delinsGG (NM_180976.3); c.708+19_708+20delinsGG (NM_180977.3).
Identifiers: ClinVar variation 2693131 (VCV002693131.3), dbSNP rs2532481554, ClinGen allele CA2697553383.

ClinVar aggregate classification (germline): Uncertain significance (1 of 4 stars; one submission).

Submission:

Labcorp Genetics (formerly Invitae), Labcorp
Classification: Uncertain significance. Last evaluated: 2023-11-04. Review status: criteria provided, single submitter. Criteria: Invitae Variant Classification Sherloc (09022015). Collection method: clinical testing. Allele origin: germline.
Comment: This sequence change falls in intron 9 of the PPP2R5D gene. It does not directly change the encoded amino acid sequence of the PPP2R5D protein. Information on the frequency of this variant in the gnomAD database is not available, as this variant may be reported differently in the database. This variant has not been reported in the literature in individuals affected with PPP2R5D-related conditions. Experimental studies and prediction algorithms are not available or were not evaluated, and the effect of this variant on mRNA splicing is currently unknown. In summary, the available evidence is currently insufficient to determine the role of this variant in disease. Therefore, it has been classified as a Variant of Uncertain Significance.